The following is an entry in ClinVar:

ClinVar aggregate classification (germline): Pathogenic (1 of 4 stars; one submission).

Conditions:
Glutathione synthetase deficiency with 5-oxoprolinuria. Also called: PYROGLUTAMIC ACIDURIA; 5-Oxoprolinuria; Gluthathione synthetase deficiency; 5-OXOPROLINURIA DUE TO GLUTATHIONE SYNTHETASE DEFICIENCY; Reduced glutathione synthetase level. Identifiers: Orphanet 289846, MedGen C0398746, MONDO:0009947, OMIM 266130, HP:0003343.

Submission:

Labcorp Genetics (formerly Invitae), Labcorp
Classification: Pathogenic for Glutathione synthetase deficiency with 5-oxoprolinuria. Last evaluated: 2025-12-30. Review status: criteria provided, single submitter. Criteria: Invitae Variant Classification Sherloc (09022015). Collection method: clinical testing. Allele origin: germline.
Comment: This sequence change creates a premature translational stop signal (p.Pro49Hisfs*27) in the GSS gene. It is expected to result in an absent or disrupted protein product. Loss-of-function variants in GSS are known to be pathogenic (PMID: 12638941, 15717202). This variant is not present in population databases (gnomAD no frequency). This variant has not been reported in the literature in individuals affected with GSS-related conditions. For these reasons, this variant has been classified as Pathogenic.

Literature cited by the submitters: PubMed 12638941; PubMed 15717202.

NM_000178.4(GSS):c.146del (p.Pro49fs)

Gene: GSS (glutathione synthetase; minus strand). Cytogenetic location: 20q11.22.
Variant type: Deletion.
Coding change: c.146del on transcript NM_000178.4 (MANE Select); coding-DNA position 146, one base deleted (C; older notation c.146delC).
Protein change: p.Pro49fs; shifts the reading frame from proline 49.
Molecular consequence: frameshift variant.
Genome position (GRCh38, 1-based): chr20:34,946,082, G deleted on the plus strand (C on the coding strand, the reverse complement: GSS is on the minus strand); the first of 4 consecutive G bases (chr20:34,946,082-34,946,085); deleting any one gives the same sequence. VCF-style (leftmost placement, unchanged base first): chr20-34946081-TG-T. GRCh37 (hg19) VCF-style: chr20-33533884-TG-T.
Other names: c.146del, p.Pro49fs (NM_001322494.1, NM_001322495.1); short protein forms P49fs.
Identifiers: ClinVar variation 4711195 (VCV004711195.1).